The following is an entry in ClinVar:

ClinVar aggregate classification (germline): Uncertain significance. Review status: criteria provided, multiple submitters, no conflicts (2 of 4 stars). 2 submissions from 2 submitters: Uncertain significance (2). Last evaluated 2025-10-02.

Conditions:
Thrombophilia due to protein C deficiency, autosomal dominant. Also called: PROC DEFICIENCY, AUTOSOMAL DOMINANT; PROTEIN C DEFICIENCY, AUTOSOMAL DOMINANT. Identifiers: Orphanet 745, MedGen C2674321, MONDO:0008316, OMIM 176860. Disease mechanism: loss of function.

Allele frequency attached by ClinVar (database versions not stated): gnomAD 0.00001; gnomAD exomes 0.00001; TOPMed below 0.00001; ExAC 0.00001.
gnomAD v4.1: 8 of 1,613,692 alleles (0.0005%); highest among the groups gnomAD compares: African/African-American, 0.0013%; no homozygotes.

Submissions (2):

GeneDx
Classification: Uncertain significance. Last evaluated: 2025-10-02. Review status: criteria provided, single submitter. Criteria: GeneDx Variant Classification Process June 2021. Collection method: clinical testing. Allele origin: germline.
Comment: Observed in an individual with protein C deficiency in the published literature (PMID: 8292730); Not observed at significant frequency in large population cohorts (gnomAD); In silico analysis supports that this missense variant has a deleterious effect on protein structure/function; This variant is associated with the following publications: (PMID: 34708097, 37647632, 8292730)

Labcorp Genetics (formerly Invitae), Labcorp
Classification: Uncertain significance for Thrombophilia due to protein C deficiency, autosomal dominant. Last evaluated: 2022-10-08. Review status: criteria provided, single submitter. Criteria: Invitae Variant Classification Sherloc (09022015). Collection method: clinical testing. Allele origin: germline.
Comment: This sequence change replaces isoleucine, which is neutral and non-polar, with threonine, which is neutral and polar, at codon 243 of the PROC protein (p.Ile243Thr). In summary, the available evidence is currently insufficient to determine the role of this variant in disease. Therefore, it has been classified as a Variant of Uncertain Significance. Advanced modeling of protein sequence and biophysical properties (such as structural, functional, and spatial information, amino acid conservation, physicochemical variation, residue mobility, and thermodynamic stability) performed at Invitae indicates that this missense variant is expected to disrupt PROC protein function. This variant is also known as c.7188T>C (p.I201T). This missense change has been observed in individual(s) with Type 1 protein C deficiency (PMID: 8292730). This variant is present in population databases (rs774584131, gnomAD 0.003%).

Literature cited by the submitters: PubMed 8292730 (cited by Labcorp Genetics (formerly Invitae), Labcorp).

NM_000312.4(PROC):c.728T>C (p.Ile243Thr)

Gene: PROC (protein C, inactivator of coagulation factors Va and VIIIa; plus strand). Cytogenetic location: 2q14.3.
Variant type: single nucleotide variant.
Coding change: c.728T>C on transcript NM_000312.4 (MANE Select); coding-DNA position 728, T replaced by C.
Protein change: p.Ile243Thr; replaces isoleucine 243 with threonine.
Molecular consequence: missense variant.
Genome position (GRCh38, 1-based): chr2:127,427,154, T>C. VCF-style: chr2-127427154-T-C. GRCh37 (hg19) VCF-style: chr2-128184730-T-C.
Other names: c.911T>C, p.Ile304Thr (NM_001375602.1); c.893T>C, p.Ile298Thr (NM_001375603.1); c.791T>C, p.Ile264Thr (NM_001375604.1); c.830T>C, p.Ile277Thr (NM_001375605.1); c.896T>C, p.Ile299Thr (NM_001375606.1); c.914T>C, p.Ile305Thr (NM_001375607.1); c.671T>C, p.Ile224Thr (NM_001375608.1); c.704T>C, p.Ile235Thr (NM_001375609.1); and 2 more; short protein forms I224T, I235T, I241T, I243T, I264T, I277T, I298T, I299T.
Identifiers: ClinVar variation 1800728 (VCV001800728.7), dbSNP rs774584131, ClinGen allele CA1859433.
Genomic context (GRCh38, chr2:127,427,154, plus strand): 5'-CCCCATTCCAGGTGGTCCTGCTGGACTCAAAGAAGAAGCTGGCCTGCGGGGCAGTGCTCA[T>C]CCACCCCTCCTGGGTGCTGACAGCGGCCCACTGCATGGATGAGTCCAAGAAGCTCCTTGT-3'
Protein context (NP_000303.1, residues 233-253): KKKLACGAVL[Ile243Thr]HPSWVLTAAH